The following is an entry in ClinVar:

ClinVar aggregate classification (germline): Uncertain significance (1 of 4 stars; one submission).

Conditions:
Inborn genetic diseases. Identifiers: MedGen C0950123, MeSH D030342.

Submission:

Ambry Genetics
Classification: Uncertain significance for Inborn genetic diseases. Last evaluated: 2025-10-25. Review status: criteria provided, single submitter. Criteria: Ambry Variant Classification Scheme 2023. Collection method: clinical testing. Allele origin: germline.
Comment: The p.V360L variant (also known as c.1078G>C) is located in coding exon 11 of the ACADVL gene. The valine at codon 360 is replaced by leucine, an amino acid with highly similar properties. This change occurs in the first base pair of coding exon 11. This amino acid position is conserved. In addition, this alteration is predicted to be deleterious by in silico analysis. Based on the available evidence, the clinical significance of this variant remains unclear.

NM_000018.4(ACADVL):c.1078G>C (p.Val360Leu)

Gene: ACADVL (acyl-CoA dehydrogenase very long chain; plus strand). Cytogenetic location: 17p13.1.
Variant type: single nucleotide variant.
Coding change: c.1078G>C on transcript NM_000018.4 (MANE Select); coding-DNA position 1078, G replaced by C.
Protein change: p.Val360Leu; replaces valine 360 with leucine.
Molecular consequence: missense variant.
Genome position (GRCh38, 1-based): chr17:7,223,133, G>C. VCF-style: chr17-7223133-G-C. GRCh37 (hg19) VCF-style: chr17-7126452-G-C.
Other names: c.1012G>C, p.Val338Leu (NM_001033859.3); c.1147G>C, p.Val383Leu (NM_001270447.2); c.850G>C, p.Val284Leu (NM_001270448.2); short protein forms V284L, V383L, V338L, V360L.
Identifiers: ClinVar variation 4564978 (VCV004564978.1).